The following is an entry in ClinVar:

ClinVar aggregate classification (germline): Uncertain significance (1 of 4 stars; one submission).

gnomAD v4.1: 2 of 1,612,996 alleles (0.00012%); highest among the groups gnomAD compares: African/African-American, 0.0013%; no homozygotes.

Submission:

Labcorp Genetics (formerly Invitae), Labcorp
Classification: Uncertain significance. Last evaluated: 2025-11-23. Review status: criteria provided, single submitter. Criteria: Invitae Variant Classification Sherloc (09022015). Collection method: clinical testing. Allele origin: germline.
Comment: This sequence change replaces leucine, which is neutral and non-polar, with serine, which is neutral and polar, at codon 61 of the SSR3 protein (p.Leu61Ser). This variant is not present in population databases (gnomAD no frequency). This variant has not been reported in the literature in individuals affected with SSR3-related conditions. An algorithm developed to predict the effect of missense changes on protein structure and function (PolyPhen-2) suggests that this variant is likely to be disruptive. In summary, the available evidence is currently insufficient to determine the role of this variant in disease. Therefore, it has been classified as a Variant of Uncertain Significance.

NM_007107.5(SSR3):c.182T>C (p.Leu61Ser)

Gene: SSR3 (signal sequence receptor subunit 3; minus strand). Cytogenetic location: 3q25.31.
Variant type: single nucleotide variant.
Coding change: c.182T>C on transcript NM_007107.5 (MANE Select); coding-DNA position 182, T replaced by C.
Protein change: p.Leu61Ser; replaces leucine 61 with serine.
Molecular consequence: missense variant.
Genome position (GRCh38, 1-based): chr3:156,553,733, A>G on the plus strand (T>C on the coding strand, the complement: SSR3 is on the minus strand). VCF-style: chr3-156553733-A-G. GRCh37 (hg19) VCF-style: chr3-156271522-A-G.
Other names: c.182T>C, p.Leu61Ser (NM_001308197.2); c.26T>C, p.Leu9Ser (NM_001308204.2, NM_001308205.2); short protein forms L61S, L9S.
Identifiers: ClinVar variation 4799043 (VCV004799043.1).
Genomic context (GRCh38, chr3:156,553,733, plus strand): 5'-TTCACATTCTTGTATGCAAAGGCTACCAAATATGTGCTTACTAGGGTCATCACACTATAC[A>G]AAACAGCAGACTGAATAAGATCCATATGCCATATTCGCCAGTATAACCCTGAATTAAAAT-3'
Protein context (NP_009038.1, residues 51-71): WHMDLIQSAV[Leu61Ser]YSVMTLVSTY